The following is an entry in ClinVar:

NM_003477.3(PDHX):c.1034A>T (p.Asp345Val)

Gene: PDHX (pyruvate dehydrogenase complex component X; plus strand). Cytogenetic location: 11p13.
Variant type: single nucleotide variant.
Coding change: c.1034A>T on transcript NM_003477.3 (MANE Select); coding-DNA position 1034, A replaced by T.
Protein change: p.Asp345Val; replaces aspartic acid 345 with valine.
Molecular consequence: missense variant.
Genome position (GRCh38, 1-based): chr11:34,984,580, A>T. VCF-style: chr11-34984580-A-T. GRCh37 (hg19) VCF-style: chr11-35006127-A-T.
Other names: c.854A>T, p.Asp285Val (NM_001135024.2); c.353A>T, p.Asp118Val (NM_001166158.2); short protein forms D345V, D118V, D285V.
Identifiers: ClinVar variation 852646 (VCV000852646.11), dbSNP rs556425857, ClinGen allele CA220472327.

ClinVar aggregate classification (germline): Uncertain significance. Review status: criteria provided, multiple submitters, no conflicts (2 of 4 stars). 2 submissions from 2 submitters: Uncertain significance (2). Last evaluated 2021-08-04.

Conditions:
Pyruvate dehydrogenase E3-binding protein deficiency (PDHXD). Also called: Lacticacidemia due to PDX1 deficiency; PYRUVATE HYDROGENASE E3-BINDING PROTEIN DEFICIENCY; LACTIC ACIDEMIA DUE TO DEFECT IN LIPOYL-CONTAINING COMPONENT X OF THE PYRUVATE DEHYDROGENASE COMPLEX; E3-Binding Protein (Component X) Deficiency. Identifiers: Orphanet 255182, MedGen C1855553, MONDO:0009503, OMIM 245349.

Allele frequency attached by ClinVar (database versions not stated): TOPMed below 0.00001; gnomAD 0.00001; gnomAD exomes 0.00001 and 0.00002; 1000 Genomes Project 30x 0.00016; 1000 Genomes Project 0.00020.
gnomAD v4.1: 13 of 1,613,990 alleles (0.00081%); highest among the groups gnomAD compares: East Asian, 0.02%; no homozygotes.

Submissions (2):

Fulgent Genetics
Classification: Uncertain significance for Pyruvate dehydrogenase E3-binding protein deficiency. Last evaluated: 2021-08-04. Review status: criteria provided, single submitter. Criteria: ACMG Guidelines, 2015. Collection method: clinical testing. Allele origin: unknown.

Labcorp Genetics (formerly Invitae), Labcorp
Classification: Uncertain significance. Last evaluated: 2019-01-20. Review status: criteria provided, single submitter. Criteria: Invitae Variant Classification Sherloc (09022015). Collection method: clinical testing. Allele origin: germline.
Comment: In summary, the available evidence is currently insufficient to determine the role of this variant in disease. Therefore, it has been classified as a Variant of Uncertain Significance. Algorithms developed to predict the effect of missense changes on protein structure and function are either unavailable or do not agree on the potential impact of this missense change (SIFT: "Deleterious"; PolyPhen-2: "Benign"; Align-GVGD: "Class C0"). This variant has not been reported in the literature in individuals with PDHX-related conditions. This variant is not present in population databases (ExAC no frequency). This sequence change replaces aspartic acid with valine at codon 345 of the PDHX protein (p.Asp345Val). The aspartic acid residue is weakly conserved and there is a large physicochemical difference between aspartic acid and valine.